The following is an entry in ClinVar:

ClinVar aggregate classification (germline): Uncertain significance (1 of 4 stars; one submission).

Conditions:
Encephalopathy, acute, infection-induced (herpes-specific), susceptibility to, 1. Also called: Herpes simplex encephalitis, susceptibility to, 1. Identifiers: Orphanet 1930, MedGen C2750180, MONDO:0024563, OMIM 610551.

gnomAD v4.1: 21 of 1,614,204 alleles (0.0013%); highest among the groups gnomAD compares: East Asian, 0.042%; no homozygotes.

Submission:

Labcorp Genetics (formerly Invitae), Labcorp
Classification: Uncertain significance for Encephalopathy, acute, infection-induced (herpes-specific), susceptibility to, 1. Last evaluated: 2025-10-29. Review status: criteria provided, single submitter. Criteria: Invitae Variant Classification Sherloc (09022015). Collection method: clinical testing. Allele origin: germline.
Comment: This sequence change replaces asparagine, which is neutral and polar, with histidine, which is basic and polar, at codon 373 of the TLR3 protein (p.Asn373His). This variant is present in population databases (rs578216202, gnomAD 0.06%), and has an allele count higher than expected for a pathogenic variant. This variant has not been reported in the literature in individuals affected with TLR3-related conditions. ClinVar contains an entry for this variant (Variation ID: 3665784). An algorithm developed to predict the effect of missense changes on protein structure and function (PolyPhen-2) suggests that this variant is likely to be tolerated. In summary, the available evidence is currently insufficient to determine the role of this variant in disease. Therefore, it has been classified as a Variant of Uncertain Significance.

NM_003265.3(TLR3):c.1117A>C (p.Asn373His)

Gene: TLR3 (toll like receptor 3; plus strand). Cytogenetic location: 4q35.1.
Variant type: single nucleotide variant.
Coding change: c.1117A>C on transcript NM_003265.3 (MANE Select); coding-DNA position 1117, A replaced by C.
Protein change: p.Asn373His; replaces asparagine 373 with histidine.
Molecular consequence: missense variant.
Genome position (GRCh38, 1-based): chr4:186,082,803, A>C. VCF-style: chr4-186082803-A-C. GRCh37 (hg19) VCF-style: chr4-187003957-A-C.
Other names: short protein forms N373H.
Identifiers: ClinVar variation 3665784 (VCV003665784.2).